The following is an entry in ClinVar:

NM_000540.3(RYR1):c.1791+14C>T

Gene: RYR1 (ryanodine receptor 1; plus strand). Cytogenetic location: 19q13.2.
Variant type: single nucleotide variant.
Coding change: c.1791+14C>T on transcript NM_000540.3 (MANE Select); 14 bases into the intron after coding-DNA position 1791, C replaced by T.
Molecular consequence: intron variant.
Genome position (GRCh38, 1-based): chr19:38,455,765, C>T. VCF-style: chr19-38455765-C-T. GRCh37 (hg19) VCF-style: chr19-38946405-C-T.
Other names: c.1791+14C>T (NM_001042723.2).
Identifiers: ClinVar variation 508784 (VCV000508784.8), dbSNP rs376723537, ClinGen allele CA062401.

ClinVar aggregate classification (germline): Likely benign. Review status: criteria provided, multiple submitters, no conflicts (2 of 4 stars). 2 submissions from 2 submitters: Likely benign (2). Last evaluated 2024-09-05.

Conditions:
RYR1-related disorder. Also called: RYR1-related condition; RYR1-related disorders. Identifiers: MedGen CN239331.

Allele frequency attached by ClinVar (database versions not stated): gnomAD exomes 0.00002; ExAC 0.00003; gnomAD 0.00003 and 0.00004; TOPMed 0.00005; ESP Exome Variant Server 0.00008.
gnomAD v4.1: 15 of 1,494,258 alleles (0.001%); highest among the groups gnomAD compares: African/African-American, 0.015%; no homozygotes.

Submissions (2):

Labcorp Genetics (formerly Invitae), Labcorp
Classification: Likely benign for RYR1-related disorder. Last evaluated: 2024-09-05. Review status: criteria provided, single submitter. Criteria: Invitae Variant Classification Sherloc (09022015). Collection method: clinical testing. Allele origin: germline.

GeneDx
Classification: Likely benign. Last evaluated: 2017-04-06. Review status: criteria provided, single submitter. Criteria: GeneDx Variant Classification (06012015). Collection method: clinical testing. Allele origin: germline. Affected: yes.
Comment: This variant is considered likely benign or benign based on one or more of the following criteria: it is a conservative change, it occurs at a poorly conserved position in the protein, it is predicted to be benign by multiple in silico algorithms, and/or has population frequency not consistent with disease.